The following is an entry in ClinVar:

ClinVar aggregate classification (germline): Benign/Likely benign. Review status: criteria provided, multiple submitters, no conflicts (2 of 4 stars). 6 submissions from 6 submitters: Benign (4); Likely benign (1). 1 of the submissions does not count toward it. Last evaluated 2026-02-02.

Conditions:
CEBPE-related disorder. Also called: CEBPE-related condition.
Specific granule deficiency. Identifiers: Orphanet 169142, MedGen C0398593, MONDO:0009506.

Allele frequency attached by ClinVar (database versions not stated): 1000 Genomes Project 30x 0.00562; 1000 Genomes Project 0.00639; TOPMed 0.01159; gnomAD 0.01352 and 0.01359; ExAC 0.01498; gnomAD exomes 0.01522; ESP Exome Variant Server 0.01607.

Submissions (6):

Labcorp Genetics (formerly Invitae), Labcorp
Classification: Benign for Specific granule deficiency. Last evaluated: 2026-02-02. Review status: criteria provided, single submitter. Criteria: Invitae Variant Classification Sherloc (09022015). Collection method: clinical testing. Allele origin: germline.

Women's Health and Genetics/Laboratory Corporation of America, LabCorp
Classification: Benign. Last evaluated: 2026-01-22. Review status: criteria provided, single submitter. Criteria: LabCorp Variant Classification Summary - May 2015. Collection method: clinical testing. Allele origin: germline.

Blueprint Genetics
Classification: Likely benign. Last evaluated: 2024-11-27. Review status: criteria provided, single submitter. Criteria: ACMG Guidelines, 2015. Collection method: clinical testing. Allele origin: germline.

Mayo Clinic Laboratories, Mayo Clinic
Classification: Benign. Last evaluated: 2018-08-16. Review status: criteria provided, single submitter. Criteria: ACMG Guidelines, 2015. Collection method: clinical testing. Allele origin: germline. Observed: 14 variant alleles.

Breakthrough Genomics
Classification: Benign. Review status: criteria provided, single submitter. Criteria: ACMG Guidelines, 2015. Collection method: not provided. Allele origin: germline. Inheritance: Autosomal recessive inheritance. Affected: yes.

PreventionGenetics, part of Exact Sciences
Classification: Benign for CEBPE-related condition. Last evaluated: 2019-09-25. Review status: no assertion criteria provided. Collection method: clinical testing. Allele origin: germline. Not counted in ClinVar's aggregate classification.
Comment: This variant is classified as benign based on ACMG/AMP sequence variant interpretation guidelines (Richards et al. 2015 PMID: 25741868, with internal and published modifications).

NM_001805.4(CEBPE):c.747C>T (p.Arg249=)

Gene: CEBPE (CCAAT enhancer binding protein epsilon; minus strand). Cytogenetic location: 14q11.2.
Variant type: single nucleotide variant.
Coding change: c.747C>T on transcript NM_001805.4 (MANE Select); coding-DNA position 747, C replaced by T.
Protein change: p.Arg249=; no amino-acid change (arginine 249 retained).
Molecular consequence: synonymous variant.
Genome position (GRCh38, 1-based): chr14:23,117,586, G>A on the plus strand (C>T on the coding strand, the complement: CEBPE is on the minus strand). VCF-style: chr14-23117586-G-A. GRCh37 (hg19) VCF-style: chr14-23586795-G-A.
Other names: p.Arg249=.
Identifiers: ClinVar variation 461468 (VCV000461468.17), dbSNP rs55722931, ClinGen allele CA7111106.